The following is an entry in ClinVar:

ClinVar aggregate classification (germline): Uncertain significance (1 of 4 stars; one submission).

Conditions:
Hereditary cancer-predisposing syndrome. Also called: Neoplastic Syndromes, Hereditary; Tumor predisposition; Hereditary Cancer Syndrome; Hereditary neoplastic syndrome. Identifiers: Orphanet 140162, MedGen C0027672, MeSH D009386, MONDO:0015356.

Submission:

Ambry Genetics
Classification: Uncertain significance for Hereditary cancer-predisposing syndrome. Last evaluated: 2026-02-20. Review status: criteria provided, single submitter. Criteria: Ambry Variant Classification Scheme 2023. Collection method: clinical testing. Allele origin: germline.
Comment: The p.L72H variant (also known as c.215T>A), located in coding exon 1 of the MSH6 gene, results from a T to A substitution at nucleotide position 215. The leucine at codon 72 is replaced by histidine, an amino acid with similar properties. This amino acid position is conserved. In addition, this alteration is predicted to be tolerated by in silico analysis. Based on the available evidence, the clinical significance of this variant remains unclear.

NM_000179.3(MSH6):c.215T>A (p.Leu72His)

Gene: MSH6 (mutS homolog 6; plus strand). Cytogenetic location: 2p16.3.
Variant type: single nucleotide variant.
Coding change: c.215T>A on transcript NM_000179.3 (MANE Select); coding-DNA position 215, T replaced by A.
Protein change: p.Leu72His; replaces leucine 72 with histidine.
Molecular consequence: missense variant. On other transcripts: 5 prime UTR variant (7), non-coding transcript variant (5), intron variant (5).
Genome position (GRCh38, 1-based): chr2:47,783,448, T>A. VCF-style: chr2-47783448-T-A. GRCh37 (hg19) VCF-style: chr2-48010587-T-A.
Other names: c.215T>A, p.Leu72His (NM_001281492.2, NM_001406795.1, NM_001406796.1 and 9 more transcripts); c.-522T>A (NM_001281493.2, NM_001406811.1); c.-114T>A (NM_001406799.1); c.160T>A, p.Ser54Thr (NM_001406804.1); c.-714T>A (NM_001406807.1); c.-369T>A (NM_001406812.1); c.-780T>A (NM_001406814.1); c.-325T>A (NM_001406816.1); and 3 more; short protein forms L72H, S54T.
Identifiers: ClinVar variation 4841294 (VCV004841294.1).